The following is an entry in ClinVar:

ClinVar aggregate classification (germline): Uncertain significance (1 of 4 stars; one submission).

Allele frequency attached by ClinVar (database versions not stated): gnomAD exomes below 0.00001.

Submission:

Labcorp Genetics (formerly Invitae), Labcorp
Classification: Uncertain significance. Last evaluated: 2021-07-13. Review status: criteria provided, single submitter. Criteria: Invitae Variant Classification Sherloc (09022015). Collection method: clinical testing. Allele origin: germline.
Comment: This sequence change replaces alanine with threonine at codon 228 of the ITGAM protein (p.Ala228Thr). The alanine residue is highly conserved and there is a small physicochemical difference between alanine and threonine. This variant is not present in population databases (ExAC no frequency). This variant has not been reported in the literature in individuals affected with ITGAM-related conditions. Algorithms developed to predict the effect of missense changes on protein structure and function (SIFT, PolyPhen-2, Align-GVGD) all suggest that this variant is likely to be disruptive. In summary, the available evidence is currently insufficient to determine the role of this variant in disease. Therefore, it has been classified as a Variant of Uncertain Significance.

NM_000632.4(ITGAM):c.682G>A (p.Ala228Thr)

Gene: ITGAM (integrin subunit alpha M; plus strand). Cytogenetic location: 16p11.2.
Variant type: single nucleotide variant.
Coding change: c.682G>A on transcript NM_000632.4 (MANE Select); coding-DNA position 682, G replaced by A.
Protein change: p.Ala228Thr; replaces alanine 228 with threonine.
Molecular consequence: missense variant.
Genome position (GRCh38, 1-based): chr16:31,271,970, G>A. VCF-style: chr16-31271970-G-A. GRCh37 (hg19) VCF-style: chr16-31283291-G-A.
Other names: c.682G>A, p.Ala228Thr (NM_001145808.2); short protein forms A228T.
Identifiers: ClinVar variation 1462522 (VCV001462522.8), dbSNP rs2144288525, ClinGen allele CA395692354.